The following is an entry in ClinVar:

ClinVar aggregate classification (germline): Uncertain significance (1 of 4 stars; one submission).

Submission:

Labcorp Genetics (formerly Invitae), Labcorp
Classification: Uncertain significance. Last evaluated: 2022-10-28. Review status: criteria provided, single submitter. Criteria: Invitae Variant Classification Sherloc (09022015). Collection method: clinical testing. Allele origin: germline.
Comment: This variant, c.510_511delinsTT, is a complex sequence change that results in the deletion of 2 and insertion of 2 amino acid(s) in the ZNF408 protein (p.Trp170_Pro171delinsCysSer). Information on the frequency of this variant in the gnomAD database is not available, as this variant may be reported differently in the database. This variant has not been reported in the literature in individuals affected with ZNF408-related conditions. ClinVar contains an entry for this variant (Variation ID: 1475225). Experimental studies and prediction algorithms are not available or were not evaluated, and the functional significance of this variant is currently unknown. In summary, the available evidence is currently insufficient to determine the role of this variant in disease. Therefore, it has been classified as a Variant of Uncertain Significance.

NM_024741.3(ZNF408):c.510_511delinsTT (p.Trp170_Pro171delinsCysSer)

Gene: ZNF408 (zinc finger protein 408; plus strand). Cytogenetic location: 11p11.2.
Variant type: Indel.
Coding change: c.510_511delinsTT on transcript NM_024741.3 (MANE Select); coding-DNA positions 510 to 511, GC replaced by TT.
Protein change: p.Trp170_Pro171delinsCysSer.
Molecular consequence: missense variant.
Genome position (GRCh38, 1-based): chr11:46,703,101-46,703,102, GC replaced by TT. VCF-style: chr11-46703101-GC-TT. GRCh37 (hg19) VCF-style: chr11-46724651-GC-TT.
Other names: c.486_487delinsTT, p.Trp162_Pro163delinsCysSer (NM_001184751.2).
Identifiers: ClinVar variation 1475225 (VCV001475225.6), dbSNP rs2134507659, ClinGen allele CA2573146345.